The following is an entry in ClinVar:

NM_000276.4(OCRL):c.799A>G (p.Asn267Asp)

Gene: OCRL (OCRL inositol polyphosphate-5-phosphatase; plus strand). Cytogenetic location: Xq26.1.
Variant type: single nucleotide variant.
Coding change: c.799A>G on transcript NM_000276.4 (MANE Select); coding-DNA position 799, A replaced by G.
Protein change: p.Asn267Asp; replaces asparagine 267 with aspartic acid.
Molecular consequence: missense variant.
Genome position (GRCh38, 1-based): chrX:129,560,626, A>G. VCF-style: chrX-129560626-A-G. GRCh37 (hg19) VCF-style: chrX-128694603-A-G.
Other names: c.802A>G, p.Asn268Asp (NM_001318784.2); c.799A>G, p.Asn267Asp (NM_001587.4); short protein forms N267D, N268D.
Identifiers: ClinVar variation 2434492 (VCV002434492.29), dbSNP rs964113908, ClinGen allele CA335085351.

ClinVar aggregate classification (germline): Uncertain significance. Review status: criteria provided, multiple submitters, no conflicts (2 of 4 stars). 4 submissions from 4 submitters: Uncertain significance (4). Last evaluated 2024-11-05.

Conditions:
Lowe syndrome (OCRL). Also called: LOWE OCULOCEREBRORENAL SYNDROME; PHOSPHATIDYLINOSITOL 4,5-BISPHOSPHATE 5-PHOSPHATASE DEFICIENCY; Oculocerebrorenal Syndrome. Identifiers: Orphanet 534, MedGen C0028860, MONDO:0010645, OMIM 309000.

Allele frequency attached by ClinVar (database versions not stated): gnomAD exomes below 0.00001.
gnomAD v4.1: 4 of 1,187,105 alleles (0.00034%); highest among the groups gnomAD compares: Middle Eastern, 0.093%; no homozygotes.

Submissions (4):

Labcorp Genetics (formerly Invitae), Labcorp
Classification: Uncertain significance for Lowe syndrome. Last evaluated: 2024-11-05. Review status: criteria provided, single submitter. Criteria: Invitae Variant Classification Sherloc (09022015). Collection method: clinical testing. Allele origin: germline.
Comment: This sequence change replaces asparagine, which is neutral and polar, with aspartic acid, which is acidic and polar, at codon 267 of the OCRL protein (p.Asn267Asp). This variant is not present in population databases (gnomAD no frequency). This variant has not been reported in the literature in individuals affected with OCRL-related conditions. ClinVar contains an entry for this variant (Variation ID: 2434492). Invitae Evidence Modeling of protein sequence and biophysical properties (such as structural, functional, and spatial information, amino acid conservation, physicochemical variation, residue mobility, and thermodynamic stability) indicates that this missense variant is not expected to disrupt OCRL protein function with a negative predictive value of 80%. In summary, the available evidence is currently insufficient to determine the role of this variant in disease. Therefore, it has been classified as a Variant of Uncertain Significance.

CeGaT Center for Human Genetics Tuebingen
Classification: Uncertain significance. Last evaluated: 2024-01-01. Review status: criteria provided, single submitter. Criteria: CeGaT Center For Human Genetics Tuebingen Variant Classification Criteria Version 2. Collection method: clinical testing. Allele origin: germline. Affected: yes. Observed: 1 variant allele.
Comment: OCRL: PM2, PP2, BP4

Revvity Omics, Revvity
Classification: Uncertain significance. Last evaluated: 2021-06-15. Review status: criteria provided, single submitter. Criteria: ACMG Guidelines, 2015. Collection method: clinical testing. Allele origin: germline.

Blueprint Genetics
Classification: Uncertain significance. Last evaluated: 2019-03-25. Review status: criteria provided, single submitter. Criteria: ACMG Guidelines, 2015. Collection method: clinical testing. Allele origin: germline.